The following is an entry in ClinVar:

NM_000631.5(NCF4):c.759-88T>C

Gene: NCF4 (neutrophil cytosolic factor 4; plus strand). Cytogenetic location: 22q12.3.
Variant type: single nucleotide variant.
Coding change: c.759-88T>C on transcript NM_000631.5 (MANE Select); 88 bases into the intron before coding-DNA position 759, T replaced by C.
Molecular consequence: intron variant. On other transcripts: missense variant (1).
Genome position (GRCh38, 1-based): chr22:36,875,941, T>C. VCF-style: chr22-36875941-T-C. GRCh37 (hg19) VCF-style: chr22-37271983-T-C.
Other names: c.916T>C, p.Trp306Arg (NM_013416.4); short protein forms W306R.
Identifiers: ClinVar variation 1989321 (VCV001989321.1), dbSNP rs774730268, ClinGen allele CA10213189.

ClinVar aggregate classification (germline): Uncertain significance (1 of 4 stars; one submission).

Conditions:
Granulomatous disease, chronic, autosomal recessive, cytochrome b-positive, type 3. Also called: GRANULOMATOUS DISEASE, CHRONIC, AUTOSOMAL RECESSIVE, 3; CGD, AUTOSOMAL RECESSIVE CYTOCHROME b-POSITIVE, TYPE III; GRANULOMATOUS DISEASE, CHRONIC, DUE TO NCF4 DEFICIENCY; Granulomatous disease, chronic, autosomal recessive, cytochrome b-positive, type III. Identifiers: Orphanet 379, MedGen C3151409, MONDO:0013507, OMIM 613960.

Allele frequency attached by ClinVar (database versions not stated): ExAC 0.00001; gnomAD exomes 0.00001; gnomAD 0.00002.
gnomAD v4.1: 16 of 1,613,918 alleles (0.00099%); highest among the groups gnomAD compares: Non-Finnish European, 0.0012%; no homozygotes.

Submission:

Labcorp Genetics (formerly Invitae), Labcorp
Classification: Uncertain significance for Granulomatous disease, chronic, autosomal recessive, cytochrome b-positive, type 3. Last evaluated: 2022-06-13. Review status: criteria provided, single submitter. Criteria: Invitae Variant Classification Sherloc (09022015). Collection method: clinical testing. Allele origin: germline.
Comment: This sequence change replaces tryptophan, which is neutral and slightly polar, with arginine, which is basic and polar, at codon 306 of the NCF4 protein (p.Trp306Arg). This variant is present in population databases (rs774730268, gnomAD 0.004%). This variant has not been reported in the literature in individuals affected with NCF4-related conditions. Algorithms developed to predict the effect of missense changes on protein structure and function are either unavailable or do not agree on the potential impact of this missense change (SIFT: "Tolerated"; PolyPhen-2: "Possibly Damaging"; Align-GVGD: "Class C0"). In summary, the available evidence is currently insufficient to determine the role of this variant in disease. Therefore, it has been classified as a Variant of Uncertain Significance.